The following is an entry in ClinVar:

NM_018191.4(RCBTB1):c.413A>G (p.His138Arg)

Gene: RCBTB1 (RCC1 and BTB domain containing protein 1; minus strand). Cytogenetic location: 13q14.2.
Variant type: single nucleotide variant.
Coding change: c.413A>G on transcript NM_018191.4 (MANE Select); coding-DNA position 413, A replaced by G.
Protein change: p.His138Arg; replaces histidine 138 with arginine.
Molecular consequence: missense variant. On other transcripts: 5 prime UTR variant (1), non-coding transcript variant (2).
Genome position (GRCh38, 1-based): chr13:49,559,949, T>C on the plus strand (A>G on the coding strand, the complement: RCBTB1 is on the minus strand). VCF-style: chr13-49559949-T-C. GRCh37 (hg19) VCF-style: chr13-50134085-T-C.
Other names: c.413A>G, p.His138Arg (NM_001352500.2, NM_001352501.2, NM_001352502.2 and 3 more transcripts); c.-197A>G (NM_001352506.2); short protein forms H138R.
Identifiers: ClinVar variation 1434243 (VCV001434243.6), dbSNP rs2139231620, ClinGen allele CA388192108.

ClinVar aggregate classification (germline): Uncertain significance (1 of 4 stars; one submission).

Allele frequency attached by ClinVar (database versions not stated): gnomAD exomes below 0.00001.
gnomAD v4.1: 2 of 1,614,132 alleles (0.00012%); highest among the groups gnomAD compares: Non-Finnish European, 0.00017%; no homozygotes.

Submission:

Labcorp Genetics (formerly Invitae), Labcorp
Classification: Uncertain significance. Last evaluated: 2021-12-03. Review status: criteria provided, single submitter. Criteria: Invitae Variant Classification Sherloc (09022015). Collection method: clinical testing. Allele origin: germline.
Comment: This sequence change replaces histidine, which is basic and polar, with arginine, which is basic and polar, at codon 138 of the RCBTB1 protein (p.His138Arg). This variant is not present in population databases (gnomAD no frequency). This variant has not been reported in the literature in individuals affected with RCBTB1-related conditions. Algorithms developed to predict the effect of missense changes on protein structure and function are either unavailable or do not agree on the potential impact of this missense change (SIFT: "Deleterious"; PolyPhen-2: "Benign"; Align-GVGD: "Class C0"). In summary, the available evidence is currently insufficient to determine the role of this variant in disease. Therefore, it has been classified as a Variant of Uncertain Significance.